The following is an entry in ClinVar:

NM_025137.4(SPG11):c.5986dup (p.Cys1996fs)

Gene: SPG11 (SPG11 vesicle trafficking associated, spatacsin; minus strand). Cytogenetic location: 15q21.1.
Variant type: Duplication.
Coding change: c.5986dup on transcript NM_025137.4 (MANE Select); coding-DNA position 5986, one base duplicated (T; older notation c.5986dupT).
Protein change: p.Cys1996fs; shifts the reading frame from cysteine 1996.
Molecular consequence: frameshift variant. On other transcripts: intron variant (1).
Genome position (GRCh38, 1-based): chr15:44,574,922, A duplicated on the plus strand (T on the coding strand, the reverse complement: SPG11 is on the minus strand). VCF-style (leftmost placement, unchanged base first): chr15-44574921-C-CA. GRCh37 (hg19) VCF-style: chr15-44867119-C-CA.
Other names: c.5867-2102dup (NM_001160227.2); c.5986dup (NM_025137.3); c.5986dupT (NM_025137.3); short protein forms C1996fs.
Identifiers: ClinVar variation 41336 (VCV000041336.17), dbSNP rs312262775, ClinGen allele CA344368.

ClinVar aggregate classification (germline): Pathogenic. Review status: criteria provided, multiple submitters, no conflicts (2 of 4 stars). 9 submissions from 9 submitters: Pathogenic (8). 1 of the submissions does not count toward it. Last evaluated 2025-08-01.

Conditions:
Hereditary spastic paraplegia 11. Also called: Spastic Paraplegia 11; SPASTIC PARAPLEGIA, AUTOSOMAL RECESSIVE, COMPLICATED, WITH THIN CORPUS CALLOSUM; SPASTIC PARAPLEGIA, AUTOSOMAL RECESSIVE, WITH MENTAL IMPAIRMENT AND THIN CORPUS CALLOSUM; Spastic paraplegia, mental retardation and thin corpus callosum; Nakamura Osame syndrome; Autosomal recessive hereditary spastic paraplegia, mental impairment, and thin corpus callosum. Identifiers: Orphanet 2822, MedGen C1858479, MONDO:0011445, OMIM 604360.
Charcot-Marie-Tooth disease axonal type 2X. Also called: CHARCOT-MARIE-TOOTH DISEASE, AXONAL, AUTOSOMAL RECESSIVE, TYPE 2X; CHARCOT-MARIE-TOOTH NEUROPATHY, TYPE 2X. Identifiers: Orphanet 466775, MedGen C5569024, MONDO:0014726, OMIM 616668.
Amyotrophic lateral sclerosis type 5 (ALS5). Also called: AMYOTROPHIC LATERAL SCLEROSIS 5, JUVENILE. Identifiers: Orphanet 300605, MedGen C1865864, MONDO:0011196, OMIM 602099.
Hereditary spastic paraplegia. Also called: Familial spastic paraparesis. Identifiers: Orphanet 685, MedGen C0037773, MONDO:0019064. Disease mechanism: loss of function.

Allele frequency attached by ClinVar (database versions not stated): gnomAD 0.00001; gnomAD exomes 0.00001 and 0.00002; TOPMed 0.00001; ExAC 0.00002.

Submissions (9):

Variantyx, Inc.
Classification: Pathogenic for Hereditary spastic paraplegia 11. Last evaluated: 2025-08-01. Review status: criteria provided, single submitter. Criteria: Variantyx Assertion Criteria 2022. Collection method: clinical testing. Allele origin: germline. Inheritance: Autosomal recessive inheritance. Affected: yes.
Comment: This is a frameshift variant in the SPG11 gene (OMIM: 610844). Pathogenic variants in this gene have been associated with autosomal recessive spastic paraplegia 11. This variant introduces a premature termination codon in exon 31 out of 40 and is expected to result in loss of function, which is a known disease mechanism for SPG11 in this disorder (PMID: 19105190, 20110243, 22154821, 26556829) (PVS1). This variant has been reported in the homozygous or compound heterozygous state in at least 6 unrelated affected individuals (PMID: 18079167, 32709422, 33600046 , 29934652 , 21625935, 29691679) (PM3). It has a 0.0003% maximum allele frequency in non-founder control populations (PM2). Based on the current evidence, this variant is classified as pathogenic for autosomal recessive spastic paraplegia 11.

Labcorp Genetics (formerly Invitae), Labcorp
Classification: Pathogenic for Hereditary spastic paraplegia 11. Last evaluated: 2025-04-01. Review status: criteria provided, single submitter. Criteria: Invitae Variant Classification Sherloc (09022015). Collection method: clinical testing. Allele origin: germline.
Comment: This sequence change creates a premature translational stop signal (p.Cys1996Leufs*4) in the SPG11 gene. It is expected to result in an absent or disrupted protein product. Loss-of-function variants in SPG11 are known to be pathogenic (PMID: 19105190, 20110243, 22154821, 26556829). This variant is present in population databases (rs312262775, gnomAD 0.03%). This premature translational stop signal has been observed in individual(s) with hereditary spastic paraplegia (PMID: 18079167). It has also been observed to segregate with disease in related individuals. ClinVar contains an entry for this variant (Variation ID: 41336). For these reasons, this variant has been classified as Pathogenic.

GeneDx
Classification: Pathogenic. Last evaluated: 2023-01-19. Review status: criteria provided, single submitter. Criteria: GeneDx Variant Classification Process June 2021. Collection method: clinical testing. Allele origin: germline. Affected: yes.
Comment: Frameshift variant predicted to result in protein truncation or nonsense mediated decay in a gene for which loss of function is a known mechanism of disease; Not observed at significant frequency in large population cohorts (gnomAD); This variant is associated with the following publications: (PMID: 32397312, 32709422, 18079167, 33600046, Rudenskaya2020[CaseReport])

Genome Diagnostics Laboratory, The Hospital for Sick Children
Classification: Pathogenic for Hereditary spastic paraplegia. Last evaluated: 2021-11-02. Review status: criteria provided, single submitter. Criteria: ACMG Guidelines, 2015. Collection method: clinical testing. Allele origin: germline. Affected: yes.

Fulgent Genetics
Classification: Pathogenic for Amyotrophic lateral sclerosis type 5; Hereditary spastic paraplegia 11; Charcot-Marie-Tooth disease axonal type 2X. Last evaluated: 2021-07-30. Review status: criteria provided, single submitter. Criteria: ACMG Guidelines, 2015. Collection method: clinical testing. Allele origin: unknown.

Institute of Human Genetics Munich, TUM University Hospital
Classification: Pathogenic for Hereditary spastic paraplegia 11. Last evaluated: 2021-06-25. Review status: criteria provided, single submitter. Criteria: Classification criteria August 2017. Collection method: clinical testing. Allele origin: maternal. Inheritance: Autosomal recessive inheritance. Affected: yes. Observed: 1 variant allele.

Institute of Human Genetics, Cologne University
Classification: Pathogenic for Hereditary spastic paraplegia 11. Last evaluated: 2020-09-30. Review status: criteria provided, single submitter. Criteria: ACMG Guidelines, 2015. Collection method: research. Allele origin: germline. Affected: yes.

Genome-Nilou Lab
Classification: Pathogenic for Hereditary spastic paraplegia 11. Review status: criteria provided, single submitter. Criteria: ACMG Guidelines, 2015. Collection method: clinical testing. Allele origin: germline.

GeneReviews
No classification provided. Condition: Hereditary spastic paraplegia 11. Review status: no classification provided. Collection method: literature only. Allele origin: unknown. Not counted in ClinVar's aggregate classification.

Literature cited by the submitters: PubMed 19105190 (cited by 3 submitters); PubMed 20110243 (cited by Variantyx, Inc. and Labcorp Genetics (formerly Invitae), Labcorp); PubMed 22154821 (cited by Variantyx, Inc. and Labcorp Genetics (formerly Invitae), Labcorp); PubMed 26556829 (cited by Variantyx, Inc. and Labcorp Genetics (formerly Invitae), Labcorp); PubMed 18079167 (cited by 3 submitters); PubMed 32709422 (cited by Variantyx, Inc.); PubMed 33600046 (cited by Variantyx, Inc.); PubMed 29934652 (cited by Variantyx, Inc.); PubMed 21625935 (cited by Variantyx, Inc.); PubMed 29691679 (cited by Variantyx, Inc.); PubMed 20301389 (cited by GeneReviews); NCBI Bookshelf NBK1210 (cited by GeneReviews).